The following is an entry in ClinVar:

NM_000535.7(PMS2):c.841G>T (p.Gly281Ter)

Gene: PMS2 (PMS1 homolog 2, mismatch repair system component; minus strand). Cytogenetic location: 7p22.1.
Variant type: single nucleotide variant.
Coding change: c.841G>T on transcript NM_000535.7 (MANE Select); coding-DNA position 841, G replaced by T.
Protein change: p.Gly281Ter; replaces glycine 281 with a stop codon.
Molecular consequence: nonsense. On other transcripts: 5 prime UTR variant (2), non-coding transcript variant (1), intron variant (4).
Genome position (GRCh38, 1-based): chr7:5,995,596, C>A on the plus strand (G>T on the coding strand, the complement: PMS2 is on the minus strand). VCF-style: chr7-5995596-C-A. GRCh37 (hg19) VCF-style: chr7-6035227-C-A.
Other names: c.532G>T, p.Gly178Ter (NM_001406879.1, NM_001406880.1, NM_001406881.1 and 6 more transcripts); c.523G>T, p.Gly175Ter (NM_001406883.1, NM_001322007.2, NM_001322008.2 and 4 more transcripts); c.673G>T, p.Gly225Ter (NM_001406884.1, NM_001406874.1); c.505G>T, p.Gly169Ter (NM_001406885.1); c.436G>T, p.Gly146Ter (NM_001406887.1, NM_001406888.1, NM_001406889.1 and 20 more transcripts); c.841G>T, p.Gly281Ter (NM_001322006.2, NM_001322014.2, NM_001406870.1 and 2 more transcripts); c.-93G>T (NM_001322011.2, NM_001322012.2); c.268G>T, p.Gly90Ter (NM_001322013.2, NM_001406909.1); and 8 more; short protein forms G110*, G146*, G169*, G175*, G178*, G225*, G245*, G281*.
Identifiers: ClinVar variation 2677905 (VCV002677905.5), dbSNP rs1784309424, ClinGen allele CA366743510.

ClinVar aggregate classification (germline): Pathogenic/Likely pathogenic. Review status: criteria provided, multiple submitters, no conflicts (2 of 4 stars). 3 submissions from 3 submitters: Pathogenic (2); Likely pathogenic (1). Last evaluated 2025-01-16.

Conditions:
Hereditary nonpolyposis colorectal neoplasms. Identifiers: MedGen C0009405, MeSH D003123.
Lynch syndrome 4 (LYNCH4). Also called: Colorectal cancer, hereditary nonpolyposis, type 4; Hereditary non-polyposis colorectal cancer, type 4. Identifiers: Orphanet 144, MedGen C1838333, MONDO:0013699, OMIM 614337. Disease mechanism: loss of function.

Submissions (3):

Myriad Genetics, Inc.
Classification: Pathogenic for Lynch syndrome 4. Last evaluated: 2025-01-16. Review status: criteria provided, single submitter. Criteria: Myriad Autosomal Dominant, Autosomal Recessive and X-Linked Classification Criteria (2023). Collection method: clinical testing. Allele origin: unknown.
Comment: This variant is considered pathogenic. This variant creates a termination codon and is predicted to result in premature protein truncation.

Labcorp Genetics (formerly Invitae), Labcorp
Classification: Pathogenic for Hereditary nonpolyposis colorectal neoplasms. Last evaluated: 2023-11-10. Review status: criteria provided, single submitter. Criteria: Invitae Variant Classification Sherloc (09022015). Collection method: clinical testing. Allele origin: germline.
Comment: This sequence change creates a premature translational stop signal (p.Gly281*) in the PMS2 gene. It is expected to result in an absent or disrupted protein product. Loss-of-function variants in PMS2 are known to be pathogenic (PMID: 21376568, 24362816). This variant is not present in population databases (gnomAD no frequency). This variant has not been reported in the literature in individuals affected with PMS2-related conditions. For these reasons, this variant has been classified as Pathogenic.

Baylor Genetics
Classification: Likely pathogenic for Lynch syndrome 4. Last evaluated: 2023-10-10. Review status: criteria provided, single submitter. Criteria: ACMG Guidelines, 2015. Collection method: clinical testing. Allele origin: unknown.

Literature cited by the submitters: PubMed 21376568 (cited by Labcorp Genetics (formerly Invitae), Labcorp); PubMed 24362816 (cited by Labcorp Genetics (formerly Invitae), Labcorp).